The following is an entry in ClinVar:

ClinVar aggregate classification (germline): Likely benign (0 of 4 stars; one submission).

Conditions:
ATRN-related disorder. Also called: ATRN-related condition.

Submission:

PreventionGenetics, part of Exact Sciences
Classification: Likely benign for ATRN-related condition. Last evaluated: 2024-09-03. Review status: no assertion criteria provided. Collection method: clinical testing. Allele origin: germline.
Comment: This variant is classified as likely benign based on ACMG/AMP sequence variant interpretation guidelines (Richards et al. 2015 PMID: 25741868, with internal and published modifications).

NM_139321.3(ATRN):c.-44T>G

Genes: ATRN (attractin; plus strand), LOC130065331 (ATAC-STARR-seq lymphoblastoid silent region 12621; plus strand). Cytogenetic location: 20p13.
Variant type: single nucleotide variant.
Coding change: c.-44T>G on transcript NM_139321.3 (MANE Select); 44 bases upstream of the start codon, T replaced by G.
Molecular consequence: 5 prime UTR variant.
Genome position (GRCh38, 1-based): chr20:3,471,064, T>G. VCF-style: chr20-3471064-T-G. GRCh37 (hg19) VCF-style: chr20-3451711-T-G.
Other names: c.-9T>G (NM_001207047.3); c.-44T>G (NM_001323332.2, NM_139322.4).
Identifiers: ClinVar variation 3041871 (VCV003041871.2), dbSNP rs758432510, ClinGen allele CA2564484320.